The following is an entry in ClinVar:

NM_015311.3(OBSL1):c.2278G>T (p.Glu760Ter)

Gene: OBSL1 (obscurin like cytoskeletal adaptor 1; minus strand). Cytogenetic location: 2q35.
Variant type: single nucleotide variant.
Coding change: c.2278G>T on transcript NM_015311.3 (MANE Select); coding-DNA position 2278, G replaced by T.
Protein change: p.Glu760Ter; replaces glutamic acid 760 with a stop codon.
Molecular consequence: nonsense.
Genome position (GRCh38, 1-based): chr2:219,565,371, C>A on the plus strand (G>T on the coding strand, the complement: OBSL1 is on the minus strand). VCF-style: chr2-219565371-C-A. GRCh37 (hg19) VCF-style: chr2-220430093-C-A.
Other names: c.2278G>T, p.Glu760Ter (NM_001173408.2, NM_001173431.2); short protein forms E760*.
Identifiers: ClinVar variation 2762103 (VCV002762103.3), dbSNP rs372464544, ClinGen allele CA350750681.

ClinVar aggregate classification (germline): Pathogenic (1 of 4 stars; one submission).

Submission:

Labcorp Genetics (formerly Invitae), Labcorp
Classification: Pathogenic. Last evaluated: 2023-10-09. Review status: criteria provided, single submitter. Criteria: Invitae Variant Classification Sherloc (09022015). Collection method: clinical testing. Allele origin: germline.
Comment: This sequence change creates a premature translational stop signal (p.Glu760*) in the OBSL1 gene. It is expected to result in an absent or disrupted protein product. Loss-of-function variants in OBSL1 are known to be pathogenic (PMID: 19481195, 19877176). This variant is not present in population databases (gnomAD no frequency). This variant has not been reported in the literature in individuals affected with OBSL1-related conditions. For these reasons, this variant has been classified as Pathogenic.

Literature cited by the submitters: PubMed 19481195; PubMed 19877176.